The following is an entry in ClinVar:

NM_006231.4(POLE):c.326G>A (p.Arg109Lys)

Gene: POLE (DNA polymerase epsilon, catalytic subunit; minus strand). Cytogenetic location: 12q24.33.
Variant type: single nucleotide variant.
Coding change: c.326G>A on transcript NM_006231.4 (MANE Select); coding-DNA position 326, G replaced by A.
Protein change: p.Arg109Lys; replaces arginine 109 with lysine.
Molecular consequence: missense variant.
Genome position (GRCh38, 1-based): chr12:132,680,182, C>T on the plus strand (G>A on the coding strand, the complement: POLE is on the minus strand). VCF-style: chr12-132680182-C-T. GRCh37 (hg19) VCF-style: chr12-133256768-C-T.
Other names: c.326G>A (NM_006231.2); short protein forms R109K.
Identifiers: ClinVar variation 540621 (VCV000540621.12), dbSNP rs1555230239, ClinGen allele CA387368559.
Genomic context (GRCh38, chr12:132,680,182, plus strand): 5'-GCCCACCACAGAATGACACACAGGTCGTCTGACCTGAGTCTATGAAACACACTCACCTTT[C>T]TGGTCGCAATGTAGAAATACGGTTTATAGGGCAAAGCCACCTGTTAAGAGTCACCAACCC-3'
Protein context (NP_006222.2, residues 99-119): PYKPYFYIAT[Arg109Lys]KGCEREVSSF

ClinVar aggregate classification (germline): Conflicting classifications of pathogenicity. Review status: criteria provided, conflicting classifications (1 of 4 stars). 2 submissions from 2 submitters: Uncertain significance (1); Likely benign (1). Last evaluated 2025-11-10.

Conditions:
Hereditary cancer-predisposing syndrome. Also called: Neoplastic Syndromes, Hereditary; Hereditary Cancer Syndrome; Hereditary neoplastic syndrome; Tumor predisposition. Identifiers: Orphanet 140162, MedGen C0027672, MeSH D009386, MONDO:0015356.

Allele frequency attached by ClinVar (database versions not stated): gnomAD 0.00001.
gnomAD v4.1: 2 of 1,614,038 alleles (0.00012%); highest among the groups gnomAD compares: African/African-American, 0.0013%; no homozygotes.

Submissions (2):

Labcorp Genetics (formerly Invitae), Labcorp
Classification: Uncertain significance. Last evaluated: 2025-11-10. Review status: criteria provided, single submitter. Criteria: Invitae Variant Classification Sherloc (09022015). Collection method: clinical testing. Allele origin: germline.
Comment: This sequence change replaces arginine, which is basic and polar, with lysine, which is basic and polar, at codon 109 of the POLE protein (p.Arg109Lys). This variant is not present in population databases (gnomAD no frequency). This variant has not been reported in the literature in individuals affected with POLE-related conditions. ClinVar contains an entry for this variant (Variation ID: 540621). Invitae Evidence Modeling of protein sequence and biophysical properties (such as structural, functional, and spatial information, amino acid conservation, physicochemical variation, residue mobility, and thermodynamic stability) indicates that this missense variant is not expected to disrupt POLE protein function with a negative predictive value of 80%. In summary, the available evidence is currently insufficient to determine the role of this variant in disease. Therefore, it has been classified as a Variant of Uncertain Significance.

Ambry Genetics
Classification: Likely benign for Hereditary cancer-predisposing syndrome. Last evaluated: 2025-05-28. Review status: criteria provided, single submitter. Criteria: Ambry Variant Classification Scheme 2023. Collection method: clinical testing. Allele origin: germline.